The following is an entry in ClinVar:

ClinVar aggregate classification (germline): Conflicting classifications of pathogenicity. Review status: criteria provided, conflicting classifications (1 of 4 stars). 2 submissions from 2 submitters: Likely pathogenic (1); Uncertain significance (1). Last evaluated 2025-06-12.

Allele frequency attached by ClinVar (database versions not stated): gnomAD 0.00001; ExAC 0.00001; 1000 Genomes Project 30x 0.00016; gnomAD exomes below 0.00001; 1000 Genomes Project 0.00020.
gnomAD v4.1: 2 of 1,614,120 alleles (0.00012%); highest among the groups gnomAD compares: African/African-American, 0.0013%; no homozygotes.

Submissions (2):

Labcorp Genetics (formerly Invitae), Labcorp
Classification: Likely pathogenic. Last evaluated: 2025-06-12. Review status: criteria provided, single submitter. Criteria: Invitae Variant Classification Sherloc (09022015). Collection method: clinical testing. Allele origin: germline.
Comment: This sequence change replaces arginine, which is basic and polar, with cysteine, which is neutral and slightly polar, at codon 1402 of the PRPF8 protein (p.Arg1402Cys). This variant is present in population databases (rs563667441, gnomAD 0.007%). This missense change has been observed in individual(s) with clinical features of PRPF8-related conditions (PMID: 35543142). In at least one individual the variant was observed to be de novo. ClinVar contains an entry for this variant (Variation ID: 2430599). An algorithm developed to predict the effect of missense changes on protein structure and function (PolyPhen-2) suggests that this variant is likely to be disruptive. In summary, the currently available evidence indicates that the variant is pathogenic, but additional data are needed to prove that conclusively. Therefore, this variant has been classified as Likely Pathogenic.

GeneDx
Classification: Uncertain significance. Last evaluated: 2025-03-28. Review status: criteria provided, single submitter. Criteria: GeneDx Variant Classification Process June 2021. Collection method: clinical testing. Allele origin: germline.
Comment: In silico analysis supports that this missense variant has a deleterious effect on protein structure/function; Not observed at significant frequency in large population cohorts (gnomAD); This variant is associated with the following publications: (PMID: 35543142)

Literature cited by the submitters: PubMed 35543142 (cited by Labcorp Genetics (formerly Invitae), Labcorp).

NM_006445.4(PRPF8):c.4204C>T (p.Arg1402Cys)

Gene: PRPF8 (pre-mRNA processing factor 8; minus strand). Cytogenetic location: 17p13.3.
Variant type: single nucleotide variant.
Coding change: c.4204C>T on transcript NM_006445.4 (MANE Select); coding-DNA position 4204, C replaced by T.
Protein change: p.Arg1402Cys; replaces arginine 1402 with cysteine.
Molecular consequence: missense variant.
Genome position (GRCh38, 1-based): chr17:1,661,405, G>A on the plus strand (C>T on the coding strand, the complement: PRPF8 is on the minus strand). VCF-style: chr17-1661405-G-A. GRCh37 (hg19) VCF-style: chr17-1564699-G-A.
Other names: short protein forms R1402C.
Identifiers: ClinVar variation 2430599 (VCV002430599.3), dbSNP rs563667441, ClinGen allele CA8271700.